The following is an entry in ClinVar:

ClinVar aggregate classification (germline): Uncertain significance (1 of 4 stars; one submission).

Conditions:
Cardiovascular phenotype. Identifiers: MedGen CN230736.

gnomAD v4.1: 2 of 1,559,328 alleles (0.00013%); highest among the groups gnomAD compares: Non-Finnish European, 0.00017%; no homozygotes.

Submission:

Ambry Genetics
Classification: Uncertain significance for Cardiovascular phenotype. Last evaluated: 2026-01-06. Review status: criteria provided, single submitter. Criteria: Ambry Variant Classification Scheme 2023. Collection method: clinical testing. Allele origin: germline.
Comment: The p.D303E variant (also known as c.909C>G), located in coding exon 1 of the FKRP gene, results from a C to G substitution at nucleotide position 909. The aspartic acid at codon 303 is replaced by glutamic acid, an amino acid with highly similar properties. This amino acid position is conserved. In addition, the in silico prediction for this alteration is inconclusive. Based on the available evidence, the clinical significance of this variant remains unclear.

NM_024301.5(FKRP):c.909C>G (p.Asp303Glu)

Gene: FKRP (fukutin related protein; plus strand). Cytogenetic location: 19q13.32.
Variant type: single nucleotide variant.
Coding change: c.909C>G on transcript NM_024301.5 (MANE Select); coding-DNA position 909, C replaced by G.
Protein change: p.Asp303Glu; replaces aspartic acid 303 with glutamic acid.
Molecular consequence: missense variant.
Genome position (GRCh38, 1-based): chr19:46,756,359, C>G. VCF-style: chr19-46756359-C-G. GRCh37 (hg19) VCF-style: chr19-47259616-C-G.
Other names: c.909C>G, p.Asp303Glu (NM_001039885.3); short protein forms D303E.
Identifiers: ClinVar variation 4843335 (VCV004843335.1).
Genomic context (GRCh38, chr19:46,756,359, plus strand): 5'-GCTGGAGTGGTTCGGCTGCAACAAGGAGACCACGCGCTGCTTCGGAACCGTGGTGGGCGA[C>G]ACGCCCGCCTACCTCTACGAGGAGCGCTGGACGCCCCCCTGCTGCCTGCGCGCGCTGCGC-3'
Protein context (NP_077277.1, residues 293-313): TTRCFGTVVG[Asp303Glu]TPAYLYEERW